The following is an entry in ClinVar:

ClinVar aggregate classification (germline): Uncertain significance (1 of 4 stars; one submission).

Submission:

Ambry Genetics
Classification: Uncertain significance. Last evaluated: 2022-11-17. Review status: criteria provided, single submitter. Criteria: Ambry Variant Classification Scheme 2023. Collection method: clinical testing. Allele origin: germline.
Comment: The p.A940S variant (also known as c.2818G>T), located in coding exon 23 of the BUB1 gene, results from a G to T substitution at nucleotide position 2818. The alanine at codon 940 is replaced by serine, an amino acid with similar properties. This amino acid position is conserved. In addition, this alteration is predicted to be tolerated by in silico analysis. Since supporting evidence is limited at this time, the clinical significance of this alteration remains unclear.

NM_004336.5(BUB1):c.2818G>T (p.Ala940Ser)

Gene: BUB1 (BUB1 mitotic checkpoint serine/threonine kinase; minus strand). Cytogenetic location: 2q13.
Variant type: single nucleotide variant.
Coding change: c.2818G>T on transcript NM_004336.5 (MANE Select); coding-DNA position 2818, G replaced by T.
Protein change: p.Ala940Ser; replaces alanine 940 with serine.
Molecular consequence: missense variant.
Genome position (GRCh38, 1-based): chr2:110,641,171, C>A on the plus strand (G>T on the coding strand, the complement: BUB1 is on the minus strand). VCF-style: chr2-110641171-C-A. GRCh37 (hg19) VCF-style: chr2-111398748-C-A.
Other names: c.2758G>T, p.Ala920Ser (NM_001278616.2); c.2647G>T, p.Ala883Ser (NM_001278617.2); short protein forms A940S, A883S, A920S.
Identifiers: ClinVar variation 2451226 (VCV002451226.2), dbSNP rs2467970500, ClinGen allele CA348089226.